The following is an entry in ClinVar:

NM_002317.7(LOX):c.740+6G>C

Genes: LOX (lysyl oxidase; minus strand), SRFBP1 (serum response factor binding protein 1; plus strand). Cytogenetic location: 5q23.1.
Variant type: single nucleotide variant.
Coding change: c.740+6G>C on transcript NM_002317.7 (MANE Select); 6 bases into the intron after coding-DNA position 740, G replaced by C.
Molecular consequence: intron variant.
Genome position (GRCh38, 1-based): chr5:122,076,887, C>G on the plus strand (G>C on the coding strand, the complement: LOX is on the minus strand). VCF-style: chr5-122076887-C-G. GRCh37 (hg19) VCF-style: chr5-121412582-C-G.
Other names: c.50+6G>C (NM_001178102.2); c.-152+205G>C (NM_001317073.1).
Identifiers: ClinVar variation 3002451 (VCV003002451.3), dbSNP rs41478244, ClinGen allele CA3383960.

ClinVar aggregate classification (germline): Uncertain significance (1 of 4 stars; one submission).

Allele frequency attached by ClinVar (database versions not stated): 1000 Genomes Project 30x 0.00016.
gnomAD v4.1: 2 of 1,613,836 alleles (0.00012%); highest among the groups gnomAD compares: East Asian, 0.0045%; no homozygotes.

Submission:

Labcorp Genetics (formerly Invitae), Labcorp
Classification: Uncertain significance. Last evaluated: 2023-06-23. Review status: criteria provided, single submitter. Criteria: Invitae Variant Classification Sherloc (09022015). Collection method: clinical testing. Allele origin: germline.
Comment: This variant has not been reported in the literature in individuals affected with LOX-related conditions. Variants that disrupt the consensus splice site are a relatively common cause of aberrant splicing (PMID: 17576681, 9536098). Algorithms developed to predict the effect of sequence changes on RNA splicing suggest that this variant is not likely to affect RNA splicing. In summary, the available evidence is currently insufficient to determine the role of this variant in disease. Therefore, it has been classified as a Variant of Uncertain Significance. This variant is present in population databases (rs41478244, gnomAD 0.01%). This sequence change falls in intron 2 of the LOX gene. It does not directly change the encoded amino acid sequence of the LOX protein. It affects a nucleotide within the consensus splice site.

Literature cited by the submitters: PubMed 17576681; PubMed 9536098.